The following is an entry in ClinVar:

ClinVar aggregate classification (germline): Uncertain significance (1 of 4 stars; one submission).

Submissions (2):

GeneDx
Classification: Uncertain significance. Last evaluated: 2023-03-05. Review status: criteria provided, single submitter. Criteria: GeneDx Variant Classification Process June 2021. Collection method: clinical testing. Allele origin: germline. Affected: yes.
Comment: Not observed at significant frequency in large population cohorts (gnomAD); In silico analysis supports that this missense variant does not alter protein structure/function; Has not been previously published as pathogenic or benign to our knowledge

Dr. Peter K. Rogan Lab, Western University
No classification provided (evidence only). Condition: Melanoma. Review status: no classification provided. Collection method: in vitro. Allele origin: not applicable. Functional consequence: retained intron. Not counted in ClinVar's aggregate classification.

NM_005045.4(RELN):c.8346C>A (p.Phe2782Leu)

Genes: RELN (reelin; minus strand), SLC26A5-AS1 (SLC26A5 antisense RNA 1; plus strand). Cytogenetic location: 7q22.1.
Variant type: single nucleotide variant.
Coding change: c.8346C>A on transcript NM_005045.4 (MANE Select); coding-DNA position 8346, C replaced by A.
Protein change: p.Phe2782Leu; replaces phenylalanine 2782 with leucine.
Molecular consequence: missense variant.
Genome position (GRCh38, 1-based): chr7:103,503,159, G>T on the plus strand (C>A on the coding strand, the complement: RELN is on the minus strand). VCF-style: chr7-103503159-G-T. GRCh37 (hg19) VCF-style: chr7-103143606-G-T.
Other names: NC_000007.13:g.103143606G>T; c.8346C>A, p.Phe2782Leu (NM_173054.3); short protein forms F2782L.
Identifiers: ClinVar variation 2579397 (VCV002579397.2), dbSNP rs758747803, ClinGen allele CA368757546.